The following is an entry in ClinVar:

ClinVar aggregate classification (germline): Benign. Review status: criteria provided, multiple submitters, no conflicts (2 of 4 stars). 4 submissions from 4 submitters: Benign (4). Last evaluated 2022-01-21.

Conditions:
Occult macular dystrophy (OCMD). Also called: OMD; OCCULT MACULAR DYSTROPHY, SUSCEPTIBILITY TO. Identifiers: Orphanet 247834, MedGen C3150833, MONDO:0013316, OMIM 613587, HP:0030636.
Retinitis pigmentosa 88. Identifiers: MedGen C5394208, MONDO:0032940, OMIM 618826.

Allele frequency attached by ClinVar (database versions not stated): gnomAD exomes 0.00523; ExAC 0.00616; ESP Exome Variant Server 0.01948; gnomAD 0.01981 and 0.02124; 1000 Genomes Project 30x 0.02171; TOPMed 0.02233; 1000 Genomes Project 0.02256.

Submissions (4):

GeneDx
Classification: Benign. Last evaluated: 2022-01-21. Review status: criteria provided, single submitter. Criteria: GeneDx Variant Classification Process June 2021. Collection method: clinical testing. Allele origin: germline. Affected: yes.

Fulgent Genetics
Classification: Benign for Occult macular dystrophy; Retinitis pigmentosa 88. Last evaluated: 2021-10-19. Review status: criteria provided, single submitter. Criteria: ACMG Guidelines, 2015. Collection method: clinical testing. Allele origin: unknown.

Illumina Laboratory Services, Illumina
Classification: Benign for Occult macular dystrophy. Last evaluated: 2018-01-12. Review status: criteria provided, single submitter. Criteria: ICSL Variant Classification Criteria 13 December 2019. Collection method: clinical testing. Allele origin: germline.
Comment: This variant was observed in the ICSL laboratory as part of a predisposition screen in an ostensibly healthy population. It had not been previously curated by ICSL or reported in the Human Gene Mutation Database (HGMD: prior to June 1st, 2018), and was therefore a candidate for classification through an automated scoring system. Utilizing variant allele frequency, disease prevalence and penetrance estimates, and inheritance mode, an automated score was calculated to assess if this variant is too frequent to cause the disease. Based on the score and internal cut-off values, a variant classified as benign is not then subjected to further curation. The score for this variant resulted in a classification of benign for this disease.

Breakthrough Genomics
Classification: Benign. Review status: criteria provided, single submitter. Criteria: ACMG Guidelines, 2015. Collection method: not provided. Allele origin: germline. Inheritance: Autosomal recessive inheritance. Affected: yes.

NM_178857.6(RP1L1):c.844A>C (p.Asn282His)

Gene: RP1L1 (RP1 like 1). Cytogenetic location: 8p23.1.
Variant type: single nucleotide variant.
Coding change: c.844A>C on transcript NM_178857.6 (MANE Select); coding-DNA position 844, A replaced by C.
Protein change: p.Asn282His; replaces asparagine 282 with histidine.
Molecular consequence: missense variant.
Genome position (GRCh38, 1-based): chr8:10,613,254, T>G on the plus strand (A>C on the coding strand, the complement: RP1L1 is on the minus strand). VCF-style: chr8-10613254-T-G. GRCh37 (hg19) VCF-style: chr8-10470764-T-G.
Other names: short protein forms N282H.
Identifiers: ClinVar variation 361392 (VCV000361392.8), dbSNP rs75814156, ClinGen allele CA4625429.
Genomic context (GRCh38, chr8:10,613,254, plus strand): 5'-GGCCCGACTGAGCTGGCGTGTCCTGAGGGTGCCTGCCAGGAGCAGGGCCCACCGGGGGGT[T>G]GCTAGGACCAGGCCTTTCTGGCAGCCGTGGCGTGCTGCCTGGCGGAGACCGCGAATGGAT-3'
Protein context (NP_849188.4, residues 272-292): PRLPERPGPS[Asn282His]PPVGPAPGRH